The following is an entry in ClinVar:

ClinVar aggregate classification (germline): Uncertain significance (1 of 4 stars; one submission).

Conditions:
Adenylosuccinate lyase deficiency (ADSLD). Also called: ADSL DEFICIENCY. Identifiers: Orphanet 46, MedGen C0268126, MONDO:0007068, OMIM 103050.

Allele frequency attached by ClinVar (database versions not stated): gnomAD 0.00001; TOPMed 0.00002.

Submission:

Labcorp Genetics (formerly Invitae), Labcorp
Classification: Uncertain significance for Adenylosuccinate lyase deficiency. Last evaluated: 2022-05-12. Review status: criteria provided, single submitter. Criteria: Invitae Variant Classification Sherloc (09022015). Collection method: clinical testing. Allele origin: germline.
Comment: Experimental studies and prediction algorithms are not available or were not evaluated, and the functional significance of this variant is currently unknown. In summary, the available evidence is currently insufficient to determine the role of this variant in disease. Therefore, it has been classified as a Variant of Uncertain Significance. This variant has not been reported in the literature in individuals affected with ADSL-related conditions. This variant is present in population databases (no rsID available, gnomAD 0.01%). This variant occurs in a non-coding region of the ADSL gene. It does not change the encoded amino acid sequence of the ADSL protein.

NC_000022.11:g.40346418G>C

Gene: ADSL (adenylosuccinate lyase; plus strand). Cytogenetic location: 22q13.1.
Variant type: single nucleotide variant.
Genome position: GRCh38 VCF-style: chr22-40346418-G-C. GRCh37 (hg19) VCF-style: chr22-40742422-G-C.
Identifiers: ClinVar variation 1401934 (VCV001401934.6), dbSNP rs986851841, ClinGen allele CA639408321.